The following is an entry in ClinVar:

NM_138959.3(VANGL1):c.*707C>T

Gene: VANGL1 (VANGL planar cell polarity protein 1; plus strand). Cytogenetic location: 1p13.1.
Variant type: single nucleotide variant.
Coding change: c.*707C>T on transcript NM_138959.3 (MANE Select); 707 bases downstream of the stop codon, C replaced by T.
Molecular consequence: 3 prime UTR variant.
Genome position (GRCh38, 1-based): chr1:115,692,086, C>T. VCF-style: chr1-115692086-C-T. GRCh37 (hg19) VCF-style: chr1-116234707-C-T.
Other names: c.*707C>T (NM_001172411.2, NM_001172412.2).
Identifiers: ClinVar variation 292028 (VCV000292028.5), dbSNP rs562969850, ClinGen allele CA10607719.

ClinVar aggregate classification (germline): Benign/Likely benign. Review status: criteria provided, single submitter (1 of 4 stars). 2 submissions from 1 submitter: Benign (1); Likely benign (1). Last evaluated 2018-01-12.

Conditions:
Sacral defect with anterior meningocele. Identifiers: MedGen C1838568, OMIM 600145.
Neural tube defect (NTD). Also called: Neural tube defects. Identifiers: Orphanet 3388, Orphanet 823, MedGen C0027794, MONDO:0018075, HP:0045005.

Allele frequency attached by ClinVar (database versions not stated): gnomAD 0.00005 and 0.00081; TOPMed 0.00020; gnomAD exomes 0.00078; 1000 Genomes Project 30x 0.00703; 1000 Genomes Project 0.00759.

Submissions (2):

Illumina Laboratory Services, Illumina
Classification: Benign for Sacral defect with anterior meningocele. Last evaluated: 2018-01-12. Review status: criteria provided, single submitter. Criteria: ICSL Variant Classification Criteria 13 December 2019. Collection method: clinical testing. Allele origin: germline.
Comment: This variant was observed in the ICSL laboratory as part of a predisposition screen in an ostensibly healthy population. It had not been previously curated by ICSL or reported in the Human Gene Mutation Database (HGMD: prior to June 1st, 2018), and was therefore a candidate for classification through an automated scoring system. Utilizing variant allele frequency, disease prevalence and penetrance estimates, and inheritance mode, an automated score was calculated to assess if this variant is too frequent to cause the disease. Based on the score and internal cut-off values, a variant classified as benign is not then subjected to further curation. The score for this variant resulted in a classification of benign for this disease.

Illumina Laboratory Services, Illumina
Classification: Likely benign for Neural tube defects, susceptibility to. Last evaluated: 2018-01-12. Review status: criteria provided, single submitter. Criteria: ICSL Variant Classification Criteria 13 December 2019. Collection method: clinical testing. Allele origin: germline.
Comment: This variant was observed in the ICSL laboratory as part of a predisposition screen in an ostensibly healthy population. It had not been previously curated by ICSL or reported in the Human Gene Mutation Database (HGMD: prior to June 1st, 2018), and was therefore a candidate for classification through an automated scoring system. Utilizing variant allele frequency, disease prevalence and penetrance estimates, and inheritance mode, an automated score was calculated to assess if this variant is too frequent to cause the disease. Based on the score and internal cut-off values, a variant classified as likely benign is not then subjected to further curation. The score for this variant resulted in a classification of likely benign for this disease.